The following is an entry in ClinVar:

NM_001329943.3(KIAA0586):c.2026C>T (p.Pro676Ser)

Gene: KIAA0586 (KIAA0586; plus strand). Cytogenetic location: 14q23.1.
Variant type: single nucleotide variant.
Coding change: c.2026C>T on transcript NM_001329943.3 (MANE Select); coding-DNA position 2026, C replaced by T.
Protein change: p.Pro676Ser; replaces proline 676 with serine.
Molecular consequence: missense variant.
Genome position (GRCh38, 1-based): chr14:58,461,127, C>T. VCF-style: chr14-58461127-C-T. GRCh37 (hg19) VCF-style: chr14-58927845-C-T.
Other names: c.1798C>T (NM_014749.3); c.2185C>T, p.Pro729Ser (NM_001244189.2); c.1981C>T, p.Pro661Ser (NM_001244190.2); c.1771C>T, p.Pro591Ser (NM_001244191.2, NM_001329945.2, NM_001364700.1 and 1 more transcripts); c.1894C>T, p.Pro632Ser (NM_001244192.2); c.1606C>T, p.Pro536Ser (NM_001244193.2); c.2026C>T, p.Pro676Ser (NM_001329944.2, NM_001329946.2, NM_001329947.2); c.1798C>T, p.Pro600Ser (NM_014749.5); short protein forms P591S, P632S, P661S, P676S, P536S, P600S, P729S.
Identifiers: ClinVar variation 1432889 (VCV001432889.7), dbSNP rs967603971, ClinGen allele CA261627441.

ClinVar aggregate classification (germline): Uncertain significance. Review status: criteria provided, multiple submitters, no conflicts (2 of 4 stars). 2 submissions from 2 submitters: Uncertain significance (2). Last evaluated 2025-11-12.

Conditions:
Inborn genetic diseases. Identifiers: MedGen C0950123, MeSH D030342.
Joubert syndrome 23 (JBTS23). Identifiers: Orphanet 475, MedGen C4084822, MONDO:0014664, OMIM 616490.
Short-rib thoracic dysplasia 14 with polydactyly (SRTD14). Identifiers: Orphanet 397715, MedGen C4225286, MONDO:0014688, OMIM 616546.

Allele frequency attached by ClinVar (database versions not stated): gnomAD 0.00004; gnomAD exomes 0.00003 and 0.00001; TOPMed 0.00003.
gnomAD v4.1: 42 of 1,597,174 alleles (0.0026%); highest among the groups gnomAD compares: Non-Finnish European, 0.0036%; no homozygotes.

Submissions (2):

Ambry Genetics
Classification: Uncertain significance for Inborn genetic diseases. Last evaluated: 2025-11-12. Review status: criteria provided, single submitter. Criteria: Ambry Variant Classification Scheme 2023. Collection method: clinical testing. Allele origin: germline.

Labcorp Genetics (formerly Invitae), Labcorp
Classification: Uncertain significance for Joubert syndrome 23; Short-rib thoracic dysplasia 14 with polydactyly. Last evaluated: 2024-08-04. Review status: criteria provided, single submitter. Criteria: Invitae Variant Classification Sherloc (09022015). Collection method: clinical testing. Allele origin: germline.
Comment: This sequence change replaces proline, which is neutral and non-polar, with serine, which is neutral and polar, at codon 729 of the KIAA0586 protein (p.Pro729Ser). The frequency data for this variant in the population databases is considered unreliable, as metrics indicate poor data quality at this position in the gnomAD database. This variant has not been reported in the literature in individuals affected with KIAA0586-related conditions. ClinVar contains an entry for this variant (Variation ID: 1432889). Advanced modeling of protein sequence and biophysical properties (such as structural, functional, and spatial information, amino acid conservation, physicochemical variation, residue mobility, and thermodynamic stability) performed at Invitae indicates that this missense variant is expected to disrupt KIAA0586 protein function with a positive predictive value of 80%. In summary, the available evidence is currently insufficient to determine the role of this variant in disease. Therefore, it has been classified as a Variant of Uncertain Significance.